The following is an entry in ClinVar:

NM_004311.4(ARL3):c.68T>G (p.Leu23Arg)

Gene: ARL3 (ARF like GTPase 3; minus strand). Cytogenetic location: 10q24.32.
Variant type: single nucleotide variant.
Coding change: c.68T>G on transcript NM_004311.4 (MANE Select); coding-DNA position 68, T replaced by G.
Protein change: p.Leu23Arg; replaces leucine 23 with arginine.
Molecular consequence: missense variant.
Genome position (GRCh38, 1-based): chr10:102,705,425, A>C on the plus strand (T>G on the coding strand, the complement: ARL3 is on the minus strand). VCF-style: chr10-102705425-A-C. GRCh37 (hg19) VCF-style: chr10-104465182-A-C.
Other names: short protein forms L23R.
Identifiers: ClinVar variation 966118 (VCV000966118.10), dbSNP rs2064304228, ClinGen allele CA377923769.
Genomic context (GRCh38, chr10:102,705,425, plus strand): 5'-CTGATGTCTTCAGATGCAAGCTGCTTCAGAAGAGTGGTCTTGCCAGCATTATCCAAGCCC[A>C]GGAGAAGTATTCTCACCTCCTGGTCTGGTGCACTTTTCAACTTGCGCAAAATTGAGAGCA-3'
Protein context (NP_004302.1, residues 13-33): APDQEVRILL[Leu23Arg]GLDNAGKTTL

ClinVar aggregate classification (germline): Uncertain significance. Review status: criteria provided, multiple submitters, no conflicts (2 of 4 stars). 2 submissions from 2 submitters: Uncertain significance (2). Last evaluated 2025-01-29.

Allele frequency attached by ClinVar (database versions not stated): gnomAD exomes below 0.00001.
gnomAD v4.1: 1 of 1,612,280 alleles (0.000062%); highest among the groups gnomAD compares: Admixed American, 0.0017%; no homozygotes.

Submissions (2):

Labcorp Genetics (formerly Invitae), Labcorp
Classification: Uncertain significance. Last evaluated: 2025-01-29. Review status: criteria provided, single submitter. Criteria: Invitae Variant Classification Sherloc (09022015). Collection method: clinical testing. Allele origin: germline.
Comment: This sequence change replaces leucine, which is neutral and non-polar, with arginine, which is basic and polar, at codon 23 of the ARL3 protein (p.Leu23Arg). This variant is not present in population databases (gnomAD no frequency). This variant has not been reported in the literature in individuals affected with ARL3-related conditions. ClinVar contains an entry for this variant (Variation ID: 966118). An algorithm developed to predict the effect of missense changes on protein structure and function (PolyPhen-2) suggests that this variant is likely to be disruptive. In summary, the available evidence is currently insufficient to determine the role of this variant in disease. Therefore, it has been classified as a Variant of Uncertain Significance.

Blueprint Genetics
Classification: Uncertain significance. Last evaluated: 2021-12-07. Review status: criteria provided, single submitter. Criteria: ACMG Guidelines, 2015. Collection method: clinical testing. Allele origin: germline.